The following is an entry in ClinVar:

ClinVar aggregate classification (germline): Uncertain significance. Review status: criteria provided, multiple submitters, no conflicts (2 of 4 stars). 3 submissions from 3 submitters: Uncertain significance (3). Last evaluated 2026-03-05.

Conditions:
Pulmonary hypertension, primary, 4. Identifiers: Orphanet 422, MedGen C3809198, MONDO:0014136, OMIM 615344.
Inborn genetic diseases. Identifiers: MedGen C0950123, MeSH D030342.

Allele frequency attached by ClinVar (database versions not stated): TOPMed below 0.00001.
gnomAD v4.1: 1 of 1,591,844 alleles (0.000063%); no homozygotes.

Submissions (3):

Dasa
Classification: Uncertain significance. Last evaluated: 2026-03-05. Review status: criteria provided, single submitter. Criteria: DASA Assertion Criteria. Collection method: clinical testing. Allele origin: germline.
Comment: NM_002246.3(KCNK3):c.1048G>A (p.Gly350Ser) is a missense variant that results in the substitution of glycine with serine. This variant is rare in population databases. Computational prediction algorithms are consistent with a benign effect. The currently available literature and clinical evidence are not sufficient to establish a definitive association between this variant and the reported condition. Therefore, this variant is classified as a variant of uncertain significance.

Labcorp Genetics (formerly Invitae), Labcorp
Classification: Uncertain significance for Pulmonary hypertension, primary, 4. Last evaluated: 2025-11-10. Review status: criteria provided, single submitter. Criteria: Invitae Variant Classification Sherloc (09022015). Collection method: clinical testing. Allele origin: germline.
Comment: This sequence change replaces glycine, which is neutral and non-polar, with serine, which is neutral and polar, at codon 350 of the KCNK3 protein (p.Gly350Ser). This variant is not present in population databases (gnomAD no frequency). This variant has not been reported in the literature in individuals affected with KCNK3-related conditions. ClinVar contains an entry for this variant (Variation ID: 1989515). An algorithm developed to predict the effect of missense changes on protein structure and function (PolyPhen-2) suggests that this variant is likely to be disruptive. In summary, the available evidence is currently insufficient to determine the role of this variant in disease. Therefore, it has been classified as a Variant of Uncertain Significance.

Ambry Genetics
Classification: Uncertain significance for Inborn genetic diseases. Last evaluated: 2025-03-03. Review status: criteria provided, single submitter. Criteria: Ambry Variant Classification Scheme 2023. Collection method: clinical testing. Allele origin: germline.

NM_002246.3(KCNK3):c.1048G>A (p.Gly350Ser)

Gene: KCNK3 (potassium two pore domain channel subfamily K member 3; plus strand). Cytogenetic location: 2p23.3.
Variant type: single nucleotide variant.
Coding change: c.1048G>A on transcript NM_002246.3 (MANE Select); coding-DNA position 1048, G replaced by A.
Protein change: p.Gly350Ser; replaces glycine 350 with serine.
Molecular consequence: missense variant.
Genome position (GRCh38, 1-based): chr2:26,728,431, G>A. VCF-style: chr2-26728431-G-A. GRCh37 (hg19) VCF-style: chr2-26951299-G-A.
Other names: short protein forms G350S.
Identifiers: ClinVar variation 1989515 (VCV001989515.7), dbSNP rs1036932096, ClinGen allele CA44398320.